The following is an entry in ClinVar:

NM_000051.4(ATM):c.6752_6755dup (p.Lys2253fs)

Genes: ATM (ATM serine/threonine kinase; plus strand), C11orf65 (chromosome 11 open reading frame 65; minus strand). Cytogenetic location: 11q22.3.
Variant type: Duplication.
Coding change: c.6752_6755dup on transcript NM_000051.4 (MANE Select); coding-DNA positions 6752 to 6755, 4 bases duplicated (TCAC; older notation c.6752_6755dupTCAC).
Protein change: p.Lys2253fs; shifts the reading frame from lysine 2253.
Molecular consequence: frameshift variant. On other transcripts: intron variant (2).
Genome position (GRCh38, 1-based): chr11:108,325,489-108,325,492, TCAC duplicated; duplicating any 4 consecutive bases within chr11:108,325,488-108,325,492 gives the same sequence; the c. name uses the placement nearest the transcript's 3' end. VCF-style (leftmost placement, unchanged base first): chr11-108325487-T-TCTCA. GRCh37 (hg19) VCF-style: chr11-108196214-T-TCTCA.
Other names: c.6750_6751insCTCA (NM_000051.3); c.6752_6755dup, p.Lys2253fs (NM_001351834.2); c.641-16420_641-16417dup (NM_001330368.2); c.*38+9729_*38+9732dup (NM_001351110.2); c.6752_6755dupTCAC (NM_000051.3); short protein forms K2253fs.
Identifiers: ClinVar variation 216022 (VCV000216022.12), dbSNP rs863224461, ClinGen allele CA338094.

ClinVar aggregate classification (germline): Pathogenic/Likely pathogenic. Review status: criteria provided, multiple submitters, no conflicts (2 of 4 stars). 6 submissions from 6 submitters: Pathogenic (5); Likely pathogenic (1). Last evaluated 2025-09-18.

Conditions:
ATM-related disorder. Also called: ATM-related disorders; ATM-related condition.
Hereditary cancer-predisposing syndrome. Also called: Neoplastic Syndromes, Hereditary; Hereditary neoplastic syndrome; Tumor predisposition; Hereditary Cancer Syndrome. Identifiers: Orphanet 140162, MedGen C0027672, MeSH D009386, MONDO:0015356.
Breast-ovarian cancer, familial, susceptibility to, 1 (BROVCA1). Also called: OVARIAN CANCER, SUSCEPTIBILITY TO; BRCA1 Hereditary Breast and Ovarian Cancer. Identifiers: Orphanet 145, MedGen C2676676, MONDO:0011450, OMIM 604370. Disease mechanism: loss of function.
Ataxia-telangiectasia syndrome (AT). Also called: Ataxia telangiectasia (A-T); Cerebello-oculocutaneous telangiectasia; Immunodeficiency with ataxia telangiectasia; LOUIS-BAR SYNDROME; AT, COMPLEMENTATION GROUP C; ATAXIA-TELANGIECTASIA, FRESNO VARIANT. Identifiers: Orphanet 100, MedGen C0004135, MONDO:0008840, OMIM 208900.
Familial cancer of breast. Also called: hereditary breast carcinoma; Hereditary breast cancer; BREAST CANCER, FAMILIAL. Identifiers: Orphanet 227535, MedGen C0346153, MONDO:0016419, OMIM 114480. Disease mechanism: loss of function.

Submissions (6):

Institute of Immunology and Genetics Kaiserslautern
Classification: Pathogenic for Breast-ovarian cancer, familial, susceptibility to, 1. Last evaluated: 2025-09-18. Review status: criteria provided, single submitter. Criteria: ACMG Guidelines, 2015. Collection method: clinical testing. Allele origin: germline. Affected: yes.
Comment: ACMG Criteria: PVS1, PM2, PP5; Variant was found in heterozygous state.

Color Diagnostics, LLC DBA Color Health
Classification: Pathogenic for Hereditary cancer-predisposing syndrome. Last evaluated: 2025-08-08. Review status: criteria provided, single submitter. Criteria: ACMG Guidelines, 2015. Collection method: clinical testing. Allele origin: germline.
Comment: This variant inserts 4 nucleotides in exon 46 of the ATM gene, creating a frameshift and premature translation stop signal. This variant is expected to result in an absent or non-functional protein product. To our knowledge, this variant has not been reported in individuals affected with ATM-related disorders in the literature. This variant has not been identified in the general population by the Genome Aggregation Database (gnomAD). Loss of ATM function is a known mechanism of disease. Based on the available evidence, this variant is classified as Pathogenic.

Myriad Genetics, Inc.
Classification: Pathogenic for Familial cancer of breast. Last evaluated: 2024-01-30. Review status: criteria provided, single submitter. Criteria: Myriad Autosomal Dominant, Autosomal Recessive and X-Linked Classification Criteria (2023). Collection method: clinical testing. Allele origin: unknown.
Comment: This variant is considered pathogenic. This variant creates a frameshift predicted to result in premature protein truncation.

Ambry Genetics
Classification: Pathogenic for Hereditary cancer-predisposing syndrome. Last evaluated: 2023-06-27. Review status: criteria provided, single submitter. Criteria: Ambry Variant Classification Scheme 2023. Collection method: clinical testing. Allele origin: germline.
Comment: The c.6752_6755dupTCAC pathogenic mutation, located in coding exon 45 of the ATM gene, results from a duplication of TCAC at nucleotide position 6752, causing a translational frameshift with a predicted alternate stop codon (p.K2253Hfs*21). This variant is considered to be rare based on population cohorts in the Genome Aggregation Database (gnomAD). This alteration is expected to result in loss of function by premature protein truncation or nonsense-mediated mRNA decay. As such, this alteration is interpreted as a disease-causing mutation.

Labcorp Genetics (formerly Invitae), Labcorp
Classification: Pathogenic for Ataxia-telangiectasia syndrome. Last evaluated: 2023-04-03. Review status: criteria provided, single submitter. Criteria: Invitae Variant Classification Sherloc (09022015). Collection method: clinical testing. Allele origin: germline.
Comment: This sequence change creates a premature translational stop signal (p.Lys2253Hisfs*21) in the ATM gene. It is expected to result in an absent or disrupted protein product. Loss-of-function variants in ATM are known to be pathogenic (PMID: 23807571, 25614872). This variant is not present in population databases (gnomAD no frequency). This variant has not been reported in the literature in individuals affected with ATM-related conditions. ClinVar contains an entry for this variant (Variation ID: 216022). For these reasons, this variant has been classified as Pathogenic.

Blueprint Genetics
Classification: Likely pathogenic for ATM-related disorders. Last evaluated: 2017-11-22. Review status: criteria provided, single submitter. Criteria: ACMG Guidelines, 2015. Collection method: clinical testing. Allele origin: germline. Affected: yes. Observed: 1 variant allele.

Literature cited by the submitters: PubMed 23807571 (cited by Labcorp Genetics (formerly Invitae), Labcorp); PubMed 25614872 (cited by Labcorp Genetics (formerly Invitae), Labcorp).